The following is an entry in ClinVar:

ClinVar aggregate classification (germline): Benign (1 of 4 stars; one submission).

Submission:

GeneDx
Classification: Benign. Last evaluated: 2018-06-19. Review status: criteria provided, single submitter. Criteria: GeneDx Variant Classification (06012015). Collection method: clinical testing. Allele origin: germline. Affected: yes.
Comment: This variant is considered likely benign or benign based on one or more of the following criteria: it is a conservative change, it occurs at a poorly conserved position in the protein, it is predicted to be benign by multiple in silico algorithms, and/or has population frequency not consistent with disease.

NM_005045.4(RELN):c.3712-130del

Gene: RELN (reelin; minus strand). Cytogenetic location: 7q22.1.
Variant type: Deletion.
Coding change: c.3712-130del on transcript NM_005045.4 (MANE Select); 130 bases into the intron before coding-DNA position 3712, one base deleted (A; older notation c.3712-130delA).
Molecular consequence: intron variant.
Genome position (GRCh38, 1-based): chr7:103,594,012, T deleted on the plus strand (A on the coding strand, the reverse complement: RELN is on the minus strand); the first of 9 consecutive T bases (chr7:103,594,012-103,594,020); deleting any one gives the same sequence. VCF-style (leftmost placement, unchanged base first): chr7-103594011-AT-A. GRCh37 (hg19) VCF-style: chr7-103234458-AT-A.
Other names: c.3712-130del (NM_173054.3).
Identifiers: ClinVar variation 669117 (VCV000669117.1), dbSNP rs3842178, ClinGen allele CA163941387.